The following is an entry in ClinVar:

NM_003504.5(CDC45):c.4T>A (p.Phe2Ile)

Gene: CDC45 (cell division cycle 45; plus strand). Cytogenetic location: 22q11.21.
Variant type: single nucleotide variant.
Coding change: c.4T>A on transcript NM_003504.5 (MANE Select); coding-DNA position 4, T replaced by A.
Protein change: p.Phe2Ile; replaces phenylalanine 2 with isoleucine.
Molecular consequence: missense variant. On other transcripts: non-coding transcript variant (1), intron variant (1).
Genome position (GRCh38, 1-based): chr22:19,479,972, T>A. VCF-style: chr22-19479972-T-A. GRCh37 (hg19) VCF-style: chr22-19467495-T-A.
Other names: c.4T>A, p.Phe2Ile (NM_001178010.2, NM_001178011.2); c.16-186T>A (NM_001369291.1); short protein forms F2I.
Identifiers: ClinVar variation 1488398 (VCV001488398.8), dbSNP rs2146322505, ClinGen allele CA410679113.

ClinVar aggregate classification (germline): Uncertain significance (1 of 4 stars; one submission).

Submission:

Labcorp Genetics (formerly Invitae), Labcorp
Classification: Uncertain significance. Last evaluated: 2022-07-12. Review status: criteria provided, single submitter. Criteria: Invitae Variant Classification Sherloc (09022015). Collection method: clinical testing. Allele origin: germline.
Comment: This sequence change replaces phenylalanine, which is neutral and non-polar, with isoleucine, which is neutral and non-polar, at codon 2 of the CDC45 protein (p.Phe2Ile). This variant is not present in population databases (gnomAD no frequency). This variant has not been reported in the literature in individuals affected with CDC45-related conditions. In summary, the available evidence is currently insufficient to determine the role of this variant in disease. Therefore, it has been classified as a Variant of Uncertain Significance. Algorithms developed to predict the effect of missense changes on protein structure and function are either unavailable or do not agree on the potential impact of this missense change (SIFT: "Deleterious"; PolyPhen-2: "Benign"; Align-GVGD: "Class C0"). ClinVar contains an entry for this variant (Variation ID: 1488398).